The following is an entry in ClinVar:

ClinVar aggregate classification (germline): Benign/Likely benign. Review status: criteria provided, multiple submitters, no conflicts (2 of 4 stars). 12 submissions from 12 submitters: Benign (5); Likely benign (6). 1 of the submissions does not count toward it. Last evaluated 2026-01-16.

Conditions:
Tuberous sclerosis 2 (TSC2). Identifiers: Orphanet 805, MedGen C1860707, MONDO:0013199, OMIM 613254.
Lymphangiomyomatosis (LAM). Also called: Lymphangioleiomyomatosis; Lymphangioleiomyomatosis, somatic. Identifiers: Orphanet 538, MedGen C0751674, MONDO:0011705, OMIM 606690.
Isolated focal cortical dysplasia type II (FCORD2). Also called: CORTICAL DYSPLASIA OF TAYLOR; Focal cortical dysplasia type II. Identifiers: Orphanet 268994, MedGen C1846385, MONDO:0011818, OMIM 607341, HP:0032051.
TSC2-related disorder. Also called: TSC2-Related Disorders; TSC2-related condition.
Tuberous sclerosis syndrome (TSC). Also called: Tuberous Sclerosis Complex; Tuberous sclerosis. Identifiers: Orphanet 805, MedGen C0041341, MONDO:0001734.
Hereditary cancer-predisposing syndrome. Also called: Tumor predisposition; Hereditary Cancer Syndrome; Neoplastic Syndromes, Hereditary; Hereditary neoplastic syndrome. Identifiers: Orphanet 140162, MedGen C0027672, MeSH D009386, MONDO:0015356.

Allele frequency attached by ClinVar (database versions not stated): gnomAD exomes 0.00002 and 0.00003; TOPMed 0.00012; gnomAD 0.00016; ExAC 0.00018; ESP Exome Variant Server 0.00039.
gnomAD v4.1: 57 of 1,582,630 alleles (0.0036%); highest among the groups gnomAD compares: African/African-American, 0.044%; no homozygotes.

Submissions (12):

Labcorp Genetics (formerly Invitae), Labcorp
Classification: Benign for Tuberous sclerosis 2. Last evaluated: 2026-01-16. Review status: criteria provided, single submitter. Criteria: Invitae Variant Classification Sherloc (09022015). Collection method: clinical testing. Allele origin: germline.

Myriad Genetics, Inc.
Classification: Benign for Tuberous sclerosis 2. Last evaluated: 2025-06-02. Review status: criteria provided, single submitter. Criteria: Myriad Autosomal Dominant, Autosomal Recessive and X-Linked Classification Criteria (2023). Collection method: clinical testing. Allele origin: unknown.
Comment: This variant is considered benign. This variant is a silent/synonymous amino acid change and it is not expected to impact splicing.

CeGaT Center for Human Genetics Tuebingen
Classification: Likely benign. Last evaluated: 2025-02-01. Review status: criteria provided, single submitter. Criteria: CeGaT Center For Human Genetics Tuebingen Variant Classification Criteria Version 2. Collection method: clinical testing. Allele origin: germline. Affected: yes. Observed: 2 variant alleles.
Comment: TSC2: BP4, BP7

Blueprint Genetics
Classification: Likely benign. Last evaluated: 2024-09-12. Review status: criteria provided, single submitter. Criteria: ACMG Guidelines, 2015. Collection method: clinical testing. Allele origin: germline.

KCCC/NGS Laboratory, Kuwait Cancer Control Center
Classification: Benign for Tuberous sclerosis 2. Last evaluated: 2023-07-07. Review status: criteria provided, single submitter. Criteria: ACMG Guidelines, 2015. Collection method: clinical testing. Allele origin: germline. Affected: yes.

Color Diagnostics, LLC DBA Color Health
Classification: Benign for Tuberous sclerosis syndrome. Last evaluated: 2022-10-04. Review status: criteria provided, single submitter. Criteria: ACMG Guidelines, 2015. Collection method: clinical testing. Allele origin: germline.

Fulgent Genetics
Classification: Likely benign for Lymphangiomyomatosis; Isolated focal cortical dysplasia type II; Tuberous sclerosis 2. Last evaluated: 2022-05-11. Review status: criteria provided, single submitter. Criteria: ACMG Guidelines, 2015. Collection method: clinical testing. Allele origin: unknown.

Genome-Nilou Lab
Classification: Benign for Tuberous sclerosis 2. Last evaluated: 2021-11-07. Review status: criteria provided, single submitter. Criteria: ACMG Guidelines, 2015. Collection method: clinical testing. Allele origin: germline. Affected: no.

Sema4
Classification: Likely benign for Hereditary cancer-predisposing syndrome. Last evaluated: 2021-10-19. Review status: criteria provided, single submitter. Criteria: Sema4 Curation Guidelines. Collection method: curation. Allele origin: germline.

GeneDx
Classification: Likely benign. Last evaluated: 2020-11-10. Review status: criteria provided, single submitter. Criteria: GeneDx Variant Classification Process June 2021. Collection method: clinical testing. Allele origin: germline. Affected: yes.

Ambry Genetics
Classification: Likely benign for Hereditary cancer-predisposing syndrome. Last evaluated: 2016-12-01. Review status: criteria provided, single submitter. Criteria: Ambry Variant Classification Scheme 2023. Collection method: clinical testing. Allele origin: germline.

PreventionGenetics, part of Exact Sciences
Classification: Likely benign for TSC2-related condition. Last evaluated: 2019-08-09. Review status: no assertion criteria provided. Collection method: clinical testing. Allele origin: germline. Not counted in ClinVar's aggregate classification.
Comment: This variant is classified as likely benign based on ACMG/AMP sequence variant interpretation guidelines (Richards et al. 2015 PMID: 25741868, with internal and published modifications).

NM_000548.5(TSC2):c.3888C>T (p.Ser1296=)

Gene: TSC2 (TSC complex subunit 2; plus strand). Cytogenetic location: 16p13.3.
Variant type: single nucleotide variant.
Coding change: c.3888C>T on transcript NM_000548.5 (MANE Select); coding-DNA position 3888, C replaced by T.
Protein change: p.Ser1296=; no amino-acid change (serine 1296 retained).
Molecular consequence: synonymous variant.
Genome position (GRCh38, 1-based): chr16:2,083,699, C>T. VCF-style: chr16-2083699-C-T. GRCh37 (hg19) VCF-style: chr16-2133700-C-T.
Other names: c.3687C>T, p.Ser1229= (NM_001077183.3); c.3819C>T, p.Ser1273= (NM_001114382.3); c.3579C>T, p.Ser1193= (NM_001318827.2); c.3543C>T, p.Ser1181= (NM_001318829.2); c.3156C>T, p.Ser1052= (NM_001318831.2); c.3720C>T, p.Ser1240= (NM_001318832.2); c.3690C>T, p.Ser1230= (NM_001363528.2); c.3756C>T, p.Ser1252= (NM_001370404.1); and 2 more.
Identifiers: ClinVar variation 238030 (VCV000238030.47), dbSNP rs141252704, ClinGen allele CA049484.